The following is an entry in ClinVar:

NM_001735.3(C5):c.4668G>T (p.Glu1556Asp)

Gene: C5 (complement C5; minus strand). Cytogenetic location: 9q33.2.
Variant type: single nucleotide variant.
Coding change: c.4668G>T on transcript NM_001735.3 (MANE Select); coding-DNA position 4668, G replaced by T.
Protein change: p.Glu1556Asp; replaces glutamic acid 1556 with aspartic acid.
Molecular consequence: missense variant.
Genome position (GRCh38, 1-based): chr9:120,960,258, C>A on the plus strand (G>T on the coding strand, the complement: C5 is on the minus strand). VCF-style: chr9-120960258-C-A. GRCh37 (hg19) VCF-style: chr9-123722536-C-A.
Other names: c.4686G>T, p.Glu1562Asp (NM_001317163.2); short protein forms E1562D, E1556D.
Identifiers: ClinVar variation 2130713 (VCV002130713.4), dbSNP rs1307833178, ClinGen allele CA374742708.
Genomic context (GRCh38, chr9:120,960,258, plus strand): 5'-ATTCATAAAATTTCATGTTTAAAGGAGCTATATTGAACTTTTGAACTCACCATATGCAAT[C>A]TCTGGTTTACATGCTGTTTGTTTTCTTGTCTCTGCAGAGATTGTCAGATCCAATTCTTCC-3'
Protein context (NP_001726.2, residues 1546-1566): ETRKQTACKP[Glu1556Asp]IAYAYKVSIT

ClinVar aggregate classification (germline): Uncertain significance (1 of 4 stars; one submission).

Allele frequency attached by ClinVar (database versions not stated): gnomAD exomes 0.00001.
gnomAD v4.1: 16 of 1,609,686 alleles (0.00099%); highest among the groups gnomAD compares: South Asian, 0.0044%; no homozygotes.

Submission:

Labcorp Genetics (formerly Invitae), Labcorp
Classification: Uncertain significance. Last evaluated: 2024-10-24. Review status: criteria provided, single submitter. Criteria: Invitae Variant Classification Sherloc (09022015). Collection method: clinical testing. Allele origin: germline.
Comment: This sequence change replaces glutamic acid, which is acidic and polar, with aspartic acid, which is acidic and polar, at codon 1556 of the C5 protein (p.Glu1556Asp). This variant is present in population databases (no rsID available, gnomAD 0.003%). This variant has not been reported in the literature in individuals affected with C5-related conditions. ClinVar contains an entry for this variant (Variation ID: 2130713). Invitae Evidence Modeling of protein sequence and biophysical properties (such as structural, functional, and spatial information, amino acid conservation, physicochemical variation, residue mobility, and thermodynamic stability) indicates that this missense variant is not expected to disrupt C5 protein function with a negative predictive value of 80%. In summary, the available evidence is currently insufficient to determine the role of this variant in disease. Therefore, it has been classified as a Variant of Uncertain Significance.